The following is an entry in ClinVar:

NM_004618.5(TOP3A):c.1916C>T (p.Thr639Ile)

Gene: TOP3A (DNA topoisomerase III alpha; minus strand). Cytogenetic location: 17p11.2.
Variant type: single nucleotide variant.
Coding change: c.1916C>T on transcript NM_004618.5 (MANE Select); coding-DNA position 1916, C replaced by T.
Protein change: p.Thr639Ile; replaces threonine 639 with isoleucine.
Molecular consequence: missense variant.
Genome position (GRCh38, 1-based): chr17:18,282,803, G>A on the plus strand (C>T on the coding strand, the complement: TOP3A is on the minus strand). VCF-style: chr17-18282803-G-A. GRCh37 (hg19) VCF-style: chr17-18186117-G-A.
Other names: c.1916C>T (NM_004618.4); c.1631C>T, p.Thr544Ile (NM_001320759.2); short protein forms T639I, T544I.
Identifiers: ClinVar variation 1491065 (VCV001491065.6), dbSNP rs756515968, ClinGen allele CA8429749.

ClinVar aggregate classification (germline): Uncertain significance. Review status: criteria provided, multiple submitters, no conflicts (2 of 4 stars). 2 submissions from 2 submitters: Uncertain significance (2). Last evaluated 2023-12-06.

Allele frequency attached by ClinVar (database versions not stated): gnomAD exomes below 0.00001 and 0.00001; ExAC 0.00001; gnomAD 0.00003; TOPMed 0.00004.

Submissions (2):

Labcorp Genetics (formerly Invitae), Labcorp
Classification: Uncertain significance. Last evaluated: 2023-12-06. Review status: criteria provided, single submitter. Criteria: Invitae Variant Classification Sherloc (09022015). Collection method: clinical testing. Allele origin: germline.
Comment: This sequence change replaces threonine, which is neutral and polar, with isoleucine, which is neutral and non-polar, at codon 639 of the TOP3A protein (p.Thr639Ile). This variant is present in population databases (rs756515968, gnomAD 0.01%). This variant has not been reported in the literature in individuals affected with TOP3A-related conditions. ClinVar contains an entry for this variant (Variation ID: 1491065). An algorithm developed to predict the effect of missense changes on protein structure and function (PolyPhen-2) suggests that this variant is likely to be tolerated. In summary, the available evidence is currently insufficient to determine the role of this variant in disease. Therefore, it has been classified as a Variant of Uncertain Significance.

GeneDx
Classification: Uncertain significance. Last evaluated: 2023-03-20. Review status: criteria provided, single submitter. Criteria: GeneDx Variant Classification Process June 2021. Collection method: clinical testing. Allele origin: germline. Affected: yes.
Comment: In silico analysis supports that this missense variant does not alter protein structure/function; Has not been previously published as pathogenic or benign to our knowledge